The following is an entry in ClinVar:

ClinVar aggregate classification (germline): Pathogenic (1 of 4 stars; one submission).

Conditions:
Retinoblastoma (RB1). Also called: RETINOBLASTOMA, SOMATIC. Identifiers: Orphanet 790, MedGen C0035335, MeSH D012175, MONDO:0008380, OMIM 180200, HP:0009919. Disease mechanism: loss of function. Inheritance: Both sporadic and heritable forms are tested..

Submission:

Genetic Diagnostic Laboratory, University of Pennsylvania School of Medicine
Classification: Pathogenic for Retinoblastoma. Last evaluated: 2024-05-20. Review status: criteria provided, single submitter. Criteria: ACMG Guidelines, 2015. Collection method: clinical testing. Allele origin: germline. Affected: yes. Observed: 1 variant allele.
Comment: Case and Pedigree Information: BILATERAL CASES:1, UNILATERAL CASES:0, TOTAL CASES:1, PEDIGREES:1. ACMG Codes Applied:PVS1, PM2

NM_000321.3(RB1):c.1613del (p.Ala538fs)

Gene: RB1 (RB transcriptional corepressor 1; plus strand). Cytogenetic location: 13q14.2.
Variant type: Deletion.
Coding change: c.1613del on transcript NM_000321.3 (MANE Select); coding-DNA position 1613, one base deleted (C; older notation c.1613delC).
Protein change: p.Ala538fs; shifts the reading frame from alanine 538.
Molecular consequence: frameshift variant.
Genome position (GRCh38, 1-based): chr13:48,381,361, C deleted. VCF-style (leftmost placement, unchanged base first): chr13-48381360-GC-G. GRCh37 (hg19) VCF-style: chr13-48955496-GC-G.
Other names: c.1613del, p.Ala538fs (NM_001407165.1, NM_001407166.1); short protein forms A538fs.
Identifiers: ClinVar variation 3237012 (VCV003237012.1), dbSNP rs2542206843.
Genomic context (GRCh38, chr13:48,381,360, plus strand): 5'-CTGAATGTGCTTAATTTAAAAGCCTTTGATTTTTACAAAGTGATCGAAAGTTTTATCAAA[GC>G]AGAAGGCAACTTGACAAGAGAAATGATAAAACATTTAGAACGATGTGAACATCGAATCAT-3'